The following is an entry in ClinVar:

NM_003098.3(SNTA1):c.1419C>T (p.Gly473=)

Gene: SNTA1 (syntrophin alpha 1; minus strand). Cytogenetic location: 20q11.21.
Variant type: single nucleotide variant.
Coding change: c.1419C>T on transcript NM_003098.3 (MANE Select); coding-DNA position 1419, C replaced by T.
Protein change: p.Gly473=; no amino-acid change (glycine 473 retained).
Molecular consequence: synonymous variant.
Genome position (GRCh38, 1-based): chr20:33,408,707, G>A on the plus strand (C>T on the coding strand, the complement: SNTA1 is on the minus strand). VCF-style: chr20-33408707-G-A. GRCh37 (hg19) VCF-style: chr20-31996513-G-A.
Identifiers: ClinVar variation 2562675 (VCV002562675.7), dbSNP rs1031085909, ClinGen allele CA313251186.
Genomic context (GRCh38, chr20:33,408,707, plus strand): 5'-TCCGAGAGTGCACACCCCCTCCTCCCCAGGGTGCAGAGGCAGCCCCTCACTCACGATCTC[G>A]CCTTCAGCACCTCCAAAATCCAGGAAAAGGAGACTGGCACCGTCATCTGAAGACATCTGC-3'
Protein context (NP_003089.1, residues 463-483): LLFLDFGGAE[Gly473=]EIQLDLHSCP

ClinVar aggregate classification (germline): Uncertain significance. Review status: criteria provided, multiple submitters, no conflicts (2 of 4 stars). 3 submissions from 3 submitters: Uncertain significance (3). Last evaluated 2025-03-27.

Conditions:
Cardiovascular phenotype. Identifiers: MedGen CN230736.
Long QT syndrome (LQTS). Identifiers: MedGen C0023976, MeSH D008133, MONDO:0002442. Disease mechanism: loss of function. Inheritance: Various modes of inheritance.

Allele frequency attached by ClinVar (database versions not stated): gnomAD 0.00001; gnomAD exomes 0.00002; TOPMed 0.00003.
gnomAD v4.1: 30 of 1,613,796 alleles (0.0019%); highest among the groups gnomAD compares: African/African-American, 0.0027%; no homozygotes.

Submissions (3):

Ambry Genetics
Classification: Uncertain significance for Cardiovascular phenotype. Last evaluated: 2025-03-27. Review status: criteria provided, single submitter. Criteria: Ambry Variant Classification Scheme 2023. Collection method: clinical testing. Allele origin: germline.
Comment: The c.1419C>T variant (also known as p.G473G), located in coding exon 7 of the SNTA1 gene, results from a C to T substitution at nucleotide position 1419. This nucleotide substitution does not change the glycine at codon 473. This nucleotide position is poorly conserved in available vertebrate species. In silico splice site analysis predicts that this alteration will result in the creation or strengthening of a novel splice donor site. The evidence for this gene-disease relationship is limited; therefore, the clinical significance of this alteration is unclear.

GeneDx
Classification: Uncertain significance. Last evaluated: 2024-07-08. Review status: criteria provided, single submitter. Criteria: GeneDx Variant Classification Process June 2021. Collection method: clinical testing. Allele origin: germline. Affected: yes.
Comment: Not observed at significant frequency in large population cohorts (gnomAD); In silico analysis supports a deleterious effect on splicing; Has not been previously published as pathogenic or benign to our knowledge

Labcorp Genetics (formerly Invitae), Labcorp
Classification: Uncertain significance for Long QT syndrome. Last evaluated: 2024-01-25. Review status: criteria provided, single submitter. Criteria: Invitae Variant Classification Sherloc (09022015). Collection method: clinical testing. Allele origin: germline.
Comment: This sequence change affects codon 473 of the SNTA1 mRNA. It is a 'silent' change, meaning that it does not change the encoded amino acid sequence of the SNTA1 protein. This variant is present in population databases (no rsID available, gnomAD 0.004%). This variant has not been reported in the literature in individuals affected with SNTA1-related conditions. ClinVar contains an entry for this variant (Variation ID: 2562675). Algorithms developed to predict the effect of sequence changes on RNA splicing suggest that this variant may disrupt the consensus splice site. In summary, the available evidence is currently insufficient to determine the role of this variant in disease. Therefore, it has been classified as a Variant of Uncertain Significance.